The following is an entry in ClinVar:

ClinVar aggregate classification (germline): Uncertain significance (1 of 4 stars; one submission).

gnomAD v4.1: 3 of 1,614,092 alleles (0.00019%); highest among the groups gnomAD compares: Non-Finnish European, 0.00025%; no homozygotes.

Submission:

Labcorp Genetics (formerly Invitae), Labcorp
Classification: Uncertain significance. Last evaluated: 2024-10-29. Review status: criteria provided, single submitter. Criteria: Invitae Variant Classification Sherloc (09022015). Collection method: clinical testing. Allele origin: germline.
Comment: This sequence change replaces alanine, which is neutral and non-polar, with serine, which is neutral and polar, at codon 513 of the WHRN protein (p.Ala513Ser). This variant is not present in population databases (gnomAD no frequency). This variant has not been reported in the literature in individuals affected with WHRN-related conditions. ClinVar contains an entry for this variant (Variation ID: 855532). An algorithm developed to predict the effect of missense changes on protein structure and function (PolyPhen-2) suggests that this variant is likely to be tolerated. In summary, the available evidence is currently insufficient to determine the role of this variant in disease. Therefore, it has been classified as a Variant of Uncertain Significance.

NM_015404.4(WHRN):c.1537G>T (p.Ala513Ser)

Gene: WHRN (whirlin; minus strand). Cytogenetic location: 9q32.
Variant type: single nucleotide variant.
Coding change: c.1537G>T on transcript NM_015404.4 (MANE Select); coding-DNA position 1537, G replaced by T.
Protein change: p.Ala513Ser; replaces alanine 513 with serine.
Molecular consequence: missense variant.
Genome position (GRCh38, 1-based): chr9:114,423,403, C>A on the plus strand (G>T on the coding strand, the complement: WHRN is on the minus strand). VCF-style: chr9-114423403-C-A. GRCh37 (hg19) VCF-style: chr9-117185683-C-A.
Other names: c.388G>T, p.Ala130Ser (NM_001083885.3); c.1537G>T, p.Ala513Ser (NM_001173425.2); c.484G>T, p.Ala162Ser (NM_001346890.1); short protein forms A130S, A513S, A162S.
Identifiers: ClinVar variation 855532 (VCV000855532.11), dbSNP rs749433283, ClinGen allele CA374607173.
Genomic context (GRCh38, chr9:114,423,403, plus strand): 5'-CGTGGCTGCCTGTGGATGAACCCGTGTCACTGTAGGAGACCATGGAGTAGGTGTCCCCAG[C>A]CCCGGGGCCTGGGGGCTGCCGCGCCTTCATGGACTCAATCTCACGCCTCAGCACCAGGTG-3'
Protein context (NP_056219.3, residues 503-523): MKARQPPGPG[Ala513Ser]GDTYSMVSYS